The following is an entry in ClinVar:

ClinVar aggregate classification (germline): Uncertain significance (1 of 4 stars; one submission).

Conditions:
H syndrome. Also called: HISTIOCYTOSIS AND LYMPHADENOPATHY WITH OR WITHOUT CUTANEOUS, CARDIAC, AND/OR ENDOCRINE FEATURES, JOINT CONTRACTURES, AND/OR DEAFNESS; HYPERPIGMENTATION, CUTANEOUS, WITH HYPERTRICHOSIS, HEPATOSPLENOMEGALY, HEART ANOMALIES, AND HYPOGONADISM WITH OR WITHOUT HEARING LOSS; PIGMENTED HYPERTRICHOSIS WITH INSULIN-DEPENDENT DIABETES MELLITUS; ROSAI-DORFMAN DISEASE, FAMILIAL; SINUS HISTIOCYTOSIS AND MASSIVE LYMPHADENOPATHY; Hyperpigmentation, Cutaneous, with Hypertrichosis, Hepatosplenomegaly, Heart Anomalies, Hearing Loss, and Hypogonadism. Identifiers: Orphanet 168569, MedGen C1864445, MONDO:0011273, OMIM 602782.

Allele frequency attached by ClinVar (database versions not stated): ExAC 0.00001; gnomAD exomes 0.00001; TOPMed 0.00001.
gnomAD v4.1: 15 of 1,614,072 alleles (0.00093%); highest among the groups gnomAD compares: South Asian, 0.0077%; no homozygotes.

Submission:

Labcorp Genetics (formerly Invitae), Labcorp
Classification: Uncertain significance for H syndrome. Last evaluated: 2022-10-13. Review status: criteria provided, single submitter. Criteria: Invitae Variant Classification Sherloc (09022015). Collection method: clinical testing. Allele origin: germline.
Comment: This sequence change replaces tyrosine, which is neutral and polar, with cysteine, which is neutral and slightly polar, at codon 436 of the SLC29A3 protein (p.Tyr436Cys). This variant is present in population databases (rs746754933, gnomAD 0.003%). This variant has not been reported in the literature in individuals affected with SLC29A3-related conditions. ClinVar contains an entry for this variant (Variation ID: 1484611). Algorithms developed to predict the effect of missense changes on protein structure and function (SIFT, PolyPhen-2, Align-GVGD) all suggest that this variant is likely to be disruptive. In summary, the available evidence is currently insufficient to determine the role of this variant in disease. Therefore, it has been classified as a Variant of Uncertain Significance.

NM_018344.6(SLC29A3):c.1307A>G (p.Tyr436Cys)

Gene: SLC29A3 (solute carrier family 29 member 3; plus strand). Cytogenetic location: 10q22.1.
Variant type: single nucleotide variant.
Coding change: c.1307A>G on transcript NM_018344.6 (MANE Select); coding-DNA position 1307, A replaced by G.
Protein change: p.Tyr436Cys; replaces tyrosine 436 with cysteine.
Molecular consequence: missense variant. On other transcripts: 3 prime UTR variant (1), non-coding transcript variant (2).
Genome position (GRCh38, 1-based): chr10:71,362,487, A>G. VCF-style: chr10-71362487-A-G. GRCh37 (hg19) VCF-style: chr10-73122244-A-G.
Other names: c.*536A>G (NM_001174098.2); c.1073A>G, p.Tyr358Cys (NM_001363518.2); short protein forms Y436C, Y358C.
Identifiers: ClinVar variation 1484611 (VCV001484611.3), dbSNP rs746754933, ClinGen allele CA5543178.